The following is an entry in ClinVar:

ClinVar aggregate classification (germline): Uncertain significance (1 of 4 stars; one submission).

Conditions:
BMPR1A-related disorder. Also called: BMPR1A-related condition.

Submission:

PreventionGenetics, part of Exact Sciences
Classification: Uncertain significance for BMPR1A-related condition. Last evaluated: 2025-05-15. Review status: criteria provided, single submitter. Criteria: ACMG Guidelines, 2015. Collection method: clinical testing. Allele origin: germline.
Comment: The BMPR1A c.719_727del9 variant is predicted to result in an in-frame deletion (p.Val240_Lys242del). To our knowledge, this variant has not been reported in the literature or in a large population database (gnomAD), indicating this variant is rare. At this time, the clinical significance of this variant is uncertain due to the absence of conclusive functional and genetic evidence.

NM_004329.3(BMPR1A):c.719_727del (p.Val240_Lys242del)

Gene: BMPR1A (bone morphogenetic protein receptor type 1A; plus strand). Cytogenetic location: 10q23.2.
Variant type: Deletion.
Coding change: c.719_727del on transcript NM_004329.3 (MANE Select); coding-DNA positions 719 to 727, 9 bases deleted (TTGGTAAAG; older notation c.719_727delTTGGTAAAG).
Protein change: p.Val240_Lys242del.
Molecular consequence: inframe deletion. On other transcripts: inframe indel (1), non-coding transcript variant (3).
Genome position (GRCh38, 1-based): chr10:86,917,177-86,917,185, TTGGTAAAG deleted; deleting any 9 consecutive bases within chr10:86,917,174-86,917,185 gives the same sequence; the c. name uses the placement nearest the transcript's 3' end. VCF-style (leftmost placement, unchanged base first): chr10-86917173-CAAGTTGGTA-C. GRCh37 (hg19) VCF-style: chr10-88676930-CAAGTTGGTA-C.
Other names: c.719_727del9 (NM_004329.2); c.794_802del, p.Val265_Lys267del (NM_001406559.1); c.767_775del, p.Val256_Lys258del (NM_001406560.1); c.719_727del, p.Val240_Lys242del (NM_001406561.1, NM_001406562.1, NM_001406563.1 and 19 more transcripts); c.713_721del, p.Val238_Lys240del (NM_001406583.1); c.635_643del, p.Val212_Lys214del (NM_001406584.1, NM_001406585.1, NM_001406586.1 and 2 more transcripts); c.377_385del, p.Val126_Lys128del (NM_001406589.1).
Identifiers: ClinVar variation 5001144 (VCV005001144.1).
Genomic context (GRCh38, chr10:86,917,173, plus strand): 5'-CTTTTACTTTTTTCTATAAAGGTTCAGCGAACTATTGCCAAACAGATTCAGATGGTCCGG[CAAGTTGGTA>C]AAGGCCGATATGGAGAAGTATGGATGGGCAAATGGCGTGGCGAAAAAGTGGCGGTGAAAG-3'